The following is an entry in ClinVar:

ClinVar aggregate classification (germline): Likely benign. Review status: criteria provided, multiple submitters, no conflicts (2 of 4 stars). 2 submissions from 2 submitters: Likely benign (2). Last evaluated 2026-01-12.

Conditions:
EYS-related disorder. Also called: EYS-related condition.

Allele frequency attached by ClinVar (database versions not stated): gnomAD 0.00001; gnomAD exomes 0.00001 and 0.00003; TOPMed 0.00004.
gnomAD v4.1: 40 of 1,545,444 alleles (0.0026%); highest among the groups gnomAD compares: Non-Finnish European, 0.0032%; no homozygotes.

Submissions (2):

Labcorp Genetics (formerly Invitae), Labcorp
Classification: Likely benign. Last evaluated: 2026-01-12. Review status: criteria provided, single submitter. Criteria: Invitae Variant Classification Sherloc (09022015). Collection method: clinical testing. Allele origin: germline.

PreventionGenetics, part of Exact Sciences
Classification: Likely benign for EYS-related condition. Last evaluated: 2025-06-26. Review status: criteria provided, single submitter. Criteria: ACMG Guidelines, 2015. Collection method: clinical testing. Allele origin: germline.
Comment: This variant is classified as likely benign based on ACMG/AMP sequence variant interpretation guidelines (Richards et al. 2015 PMID: 25741868, with internal and published modifications).

NM_001142800.2(EYS):c.2883C>T (p.Pro961=)

Gene: EYS (EGF-like photoreceptor maintenance factor; minus strand). Cytogenetic location: 6q12.
Variant type: single nucleotide variant.
Coding change: c.2883C>T on transcript NM_001142800.2 (MANE Select); coding-DNA position 2883, C replaced by T.
Protein change: p.Pro961=; no amino-acid change (proline 961 retained).
Molecular consequence: synonymous variant.
Genome position (GRCh38, 1-based): chr6:64,886,806, G>A on the plus strand (C>T on the coding strand, the complement: EYS is on the minus strand). VCF-style: chr6-64886806-G-A. GRCh37 (hg19) VCF-style: chr6-65596699-G-A.
Other names: c.2883C>T, p.Pro961= (NM_001292009.2); c.2883C>T (NM_001142800.1).
Identifiers: ClinVar variation 1081007 (VCV001081007.8), dbSNP rs1022377816, ClinGen allele CA140377023.